The following is an entry in ClinVar:

NM_000548.5(TSC2):c.2045G>A (p.Gly682Glu)

Gene: TSC2 (TSC complex subunit 2; plus strand). Cytogenetic location: 16p13.3.
Variant type: single nucleotide variant.
Coding change: c.2045G>A on transcript NM_000548.5 (MANE Select); coding-DNA position 2045, G replaced by A.
Protein change: p.Gly682Glu; replaces glycine 682 with glutamic acid.
Molecular consequence: missense variant.
Genome position (GRCh38, 1-based): chr16:2,071,882, G>A. VCF-style: chr16-2071882-G-A. GRCh37 (hg19) VCF-style: chr16-2121883-G-A.
Other names: c.2045G>A, p.Gly682Glu (NM_001077183.3, NM_001114382.3, NM_001363528.2 and 3 more transcripts); c.1934G>A, p.Gly645Glu (NM_001318827.2); c.1898G>A, p.Gly633Glu (NM_001318829.2); c.1445G>A, p.Gly482Glu (NM_001318831.2); c.2078G>A, p.Gly693Glu (NM_001318832.2); short protein forms G682E, G633E, G645E, G693E, G482E.
Identifiers: ClinVar variation 566246 (VCV000566246.8), dbSNP rs1567465004, ClinGen allele CA394274581.

ClinVar aggregate classification (germline): Uncertain significance (1 of 4 stars; one submission).

Conditions:
Tuberous sclerosis 2 (TSC2). Identifiers: Orphanet 805, MedGen C1860707, MONDO:0013199, OMIM 613254.

gnomAD v4.1: 4 of 1,597,590 alleles (0.00025%); highest among the groups gnomAD compares: South Asian, 0.0011%; no homozygotes.

Submission:

Labcorp Genetics (formerly Invitae), Labcorp
Classification: Uncertain significance for Tuberous sclerosis 2. Last evaluated: 2018-05-02. Review status: criteria provided, single submitter. Criteria: Invitae Variant Classification Sherloc (09022015). Collection method: clinical testing. Allele origin: germline.
Comment: In summary, the available evidence is currently insufficient to determine the role of this variant in disease. Therefore, it has been classified as a Variant of Uncertain Significance. Algorithms developed to predict the effect of missense changes on protein structure and function do not agree on the potential impact of this missense change (SIFT: "Deleterious"; PolyPhen-2: "Benign"; Align-GVGD: "Class C0"). This variant has not been reported in the literature in individuals with TSC2-related disease. This variant is not present in population databases (ExAC no frequency). This sequence change replaces glycine with glutamic acid at codon 682 of the TSC2 protein (p.Gly682Glu). The glycine residue is moderately conserved and there is a moderate physicochemical difference between glycine and glutamic acid.